The following is an entry in ClinVar:

NM_001148.6(ANK2):c.136A>C (p.Lys46Gln)

Gene: ANK2 (ankyrin 2; plus strand). Cytogenetic location: 4q25.
Variant type: single nucleotide variant.
Coding change: c.136A>C on transcript NM_001148.6 (MANE Select); coding-DNA position 136, A replaced by C.
Protein change: p.Lys46Gln; replaces lysine 46 with glutamine.
Molecular consequence: missense variant.
Genome position (GRCh38, 1-based): chr4:113,174,467, A>C. VCF-style: chr4-113174467-A-C. GRCh37 (hg19) VCF-style: chr4-114095623-A-C.
Other names: c.73A>C, p.Lys25Gln (NM_001127493.3, NM_001354239.2, NM_001354243.2 and 33 more transcripts); c.136A>C, p.Lys46Gln (NM_001354225.2, NM_001354228.2, NM_001354232.2 and 9 more transcripts); c.181A>C, p.Lys61Gln (NM_001354230.2, NM_001354231.2, NM_001354237.2 and 5 more transcripts); c.118A>C, p.Lys40Gln (NM_001354261.2, NM_001386147.1, NM_001386160.1); c.124A>C, p.Lys42Gln (NM_001354269.3, NM_001386148.2, NM_001386186.2 and 1 more transcripts); c.187A>C, p.Lys63Gln (NM_001386174.1, NM_001386175.1); short protein forms K42Q, K63Q, K25Q, K40Q, K46Q, K61Q.
Identifiers: ClinVar variation 4743331 (VCV004743331.1).

ClinVar aggregate classification (germline): Uncertain significance (1 of 4 stars; one submission).

Conditions:
Long QT syndrome (LQTS). Identifiers: MedGen C0023976, MeSH D008133, MONDO:0002442. Disease mechanism: loss of function. Inheritance: Various modes of inheritance.

Submission:

Labcorp Genetics (formerly Invitae), Labcorp
Classification: Uncertain significance for Long QT syndrome. Last evaluated: 2026-01-10. Review status: criteria provided, single submitter. Criteria: Invitae Variant Classification Sherloc (09022015). Collection method: clinical testing. Allele origin: germline.
Comment: This sequence change replaces lysine, which is basic and polar, with glutamine, which is neutral and polar, at codon 46 of the ANK2 protein (p.Lys46Gln). This variant is not present in population databases (gnomAD no frequency). This variant has not been reported in the literature in individuals affected with ANK2-related conditions. Invitae Evidence Modeling of protein sequence and biophysical properties (such as structural, functional, and spatial information, amino acid conservation, physicochemical variation, residue mobility, and thermodynamic stability) indicates that this missense variant is not expected to disrupt ANK2 protein function with a negative predictive value of 80%. In summary, the available evidence is currently insufficient to determine the role of this variant in disease. Therefore, it has been classified as a Variant of Uncertain Significance.